The following is an entry in ClinVar:

ClinVar aggregate classification (germline): Likely benign (1 of 4 stars; one submission).

Allele frequency attached by ClinVar (database versions not stated): ESP Exome Variant Server 0.00092.
gnomAD v4.1: 1,289 of 1,614,160 alleles (0.08%); highest among the groups gnomAD compares: South Asian, 0.19%; 3 homozygotes.

Submission:

CeGaT Center for Human Genetics Tuebingen
Classification: Likely benign. Last evaluated: 2023-04-01. Review status: criteria provided, single submitter. Criteria: CeGaT Center For Human Genetics Tuebingen Variant Classification Criteria Version 2. Collection method: clinical testing. Allele origin: germline. Affected: yes. Observed: 2 variant alleles.
Comment: AGPAT3: BP4, BP7

NM_020132.5(AGPAT3):c.363C>A (p.Leu121=)

Gene: AGPAT3 (1-acylglycerol-3-phosphate O-acyltransferase 3; plus strand). Cytogenetic location: 21q22.3.
Variant type: single nucleotide variant.
Coding change: c.363C>A on transcript NM_020132.5 (MANE Select); coding-DNA position 363, C replaced by A.
Protein change: p.Leu121=; no amino-acid change (leucine 121 retained).
Molecular consequence: synonymous variant.
Genome position (GRCh38, 1-based): chr21:43,969,132, C>A. VCF-style: chr21-43969132-C-A. GRCh37 (hg19) VCF-style: chr21-45389013-C-A.
Other names: c.363C>A, p.Leu121= (NM_001037553.2, NM_001369878.1, NM_001369880.1); c.177C>A, p.Leu59= (NM_001369881.1).
Identifiers: ClinVar variation 2652729 (VCV002652729.24), dbSNP rs146737372, ClinGen allele CA10049812.